The following is an entry in ClinVar:

ClinVar aggregate classification (germline): Uncertain significance. Review status: criteria provided, multiple submitters, no conflicts (2 of 4 stars). 2 submissions from 2 submitters: Uncertain significance (2). Last evaluated 2026-01-18.

Conditions:
Arrhythmogenic right ventricular dysplasia 12. Also called: ARRHYTHMOGENIC RIGHT VENTRICULAR DYSPLASIA, FAMILIAL, 12. Identifiers: MedGen C1969081, MONDO:0012684, OMIM 611528.
Naxos disease (NXD). Also called: KERATOSIS PALMOPLANTARIS WITH ARRHYTHMOGENIC CARDIOMYOPATHY; MAL DE NAXOS; PALMOPLANTAR KERATODERMA WITH ARRHYTHMOGENIC RIGHT VENTRICULAR CARDIOMYOPATHY AND WOOLLY HAIR; WOOLLY HAIR, PALMOPLANTAR KERATODERMA, AND CARDIAC ABNORMALITIES; CARDIOMYOPATHY, ARRHYTHMOGENIC RIGHT VENTRICULAR, WITH SKIN, HAIR, AND NAIL ABNORMALITIES. Identifiers: Orphanet 34217, MedGen C1832600, MONDO:0011017, OMIM 601214.
Cardiovascular phenotype. Identifiers: MedGen CN230736.

Allele frequency attached by ClinVar (database versions not stated): gnomAD exomes below 0.00001 and 0.00001; ExAC 0.00001; TOPMed 0.00001; gnomAD 0.00003.

Submissions (2):

Labcorp Genetics (formerly Invitae), Labcorp
Classification: Uncertain significance for Arrhythmogenic right ventricular dysplasia 12; Naxos disease. Last evaluated: 2026-01-18. Review status: criteria provided, single submitter. Criteria: Invitae Variant Classification Sherloc (09022015). Collection method: clinical testing. Allele origin: germline.
Comment: This sequence change replaces tyrosine, which is neutral and polar, with cysteine, which is neutral and slightly polar, at codon 480 of the JUP protein (p.Tyr480Cys). This variant is present in population databases (rs782756834, gnomAD 0.004%). This variant has not been reported in the literature in individuals affected with JUP-related conditions. ClinVar contains an entry for this variant (Variation ID: 536624). An algorithm developed to predict the effect of missense changes on protein structure and function (PolyPhen-2) suggests that this variant is likely to be disruptive. In summary, the available evidence is currently insufficient to determine the role of this variant in disease. Therefore, it has been classified as a Variant of Uncertain Significance.

Ambry Genetics
Classification: Uncertain significance for Cardiovascular phenotype. Last evaluated: 2022-11-14. Review status: criteria provided, single submitter. Criteria: Ambry Variant Classification Scheme 2023. Collection method: clinical testing. Allele origin: germline.
Comment: The p.Y480C variant (also known as c.1439A>G), located in coding exon 7 of the JUP gene, results from an A to G substitution at nucleotide position 1439. The tyrosine at codon 480 is replaced by cysteine, an amino acid with highly dissimilar properties. This amino acid position is highly conserved in available vertebrate species. In addition, this alteration is predicted to be deleterious by in silico analysis. Since supporting evidence is limited at this time, the clinical significance of this alteration remains unclear.

NM_002230.4(JUP):c.1439A>G (p.Tyr480Cys)

Gene: JUP (junction plakoglobin; minus strand). Cytogenetic location: 17q21.2.
Variant type: single nucleotide variant.
Coding change: c.1439A>G on transcript NM_002230.4 (MANE Select); coding-DNA position 1439, A replaced by G.
Protein change: p.Tyr480Cys; replaces tyrosine 480 with cysteine.
Molecular consequence: missense variant.
Genome position (GRCh38, 1-based): chr17:41,763,041, T>C on the plus strand (A>G on the coding strand, the complement: JUP is on the minus strand). VCF-style: chr17-41763041-T-C. GRCh37 (hg19) VCF-style: chr17-39919293-T-C.
Other names: c.1439A>G, p.Tyr480Cys (NM_001352773.2, NM_001352774.2, NM_001352775.2 and 3 more transcripts); short protein forms Y480C.
Identifiers: ClinVar variation 536624 (VCV000536624.12), dbSNP rs782756834, ClinGen allele CA8565214.